The following is an entry in ClinVar:

ClinVar aggregate classification (germline): Uncertain significance (1 of 4 stars; one submission).

Allele frequency attached by ClinVar (database versions not stated): gnomAD exomes below 0.00001; TOPMed 0.00002.
gnomAD v4.1: 7 of 1,610,340 alleles (0.00043%); highest among the groups gnomAD compares: African/African-American, 0.0027%; no homozygotes.

Submissions (2):

Labcorp Genetics (formerly Invitae), Labcorp
Classification: Uncertain significance. Last evaluated: 2021-12-27. Review status: criteria provided, single submitter. Criteria: Invitae Variant Classification Sherloc (09022015). Collection method: clinical testing. Allele origin: germline.
Comment: This variant is present in population databases (rs759316733, gnomAD 0.007%). In summary, the available evidence is currently insufficient to determine the role of this variant in disease. Therefore, it has been classified as a Variant of Uncertain Significance. Algorithms developed to predict the effect of sequence changes on RNA splicing suggest that this variant may create or strengthen a splice site. Algorithms developed to predict the effect of missense changes on protein structure and function are either unavailable or do not agree on the potential impact of this missense change (SIFT: "Tolerated"; PolyPhen-2: "Probably Damaging"; Align-GVGD: "Class C0"). This variant has not been reported in the literature in individuals affected with LAMA5-related conditions. This sequence change replaces alanine, which is neutral and non-polar, with valine, which is neutral and non-polar, at codon 277 of the LAMA5 protein (p.Ala277Val).

Dr. Peter K. Rogan Lab, Western University
No classification provided (evidence only). Condition: Pancreatic adenocarcinoma. Review status: no classification provided. Collection method: in vitro. Allele origin: not applicable. Functional consequence: retained intron. Not counted in ClinVar's aggregate classification.

NM_005560.6(LAMA5):c.830C>T (p.Ala277Val)

Gene: LAMA5 (laminin subunit alpha 5; minus strand). Cytogenetic location: 20q13.33.
Variant type: single nucleotide variant.
Coding change: c.830C>T on transcript NM_005560.6 (MANE Select); coding-DNA position 830, C replaced by T.
Protein change: p.Ala277Val; replaces alanine 277 with valine.
Molecular consequence: missense variant.
Genome position (GRCh38, 1-based): chr20:62,351,937, G>A on the plus strand (C>T on the coding strand, the complement: LAMA5 is on the minus strand). VCF-style: chr20-62351937-G-A. GRCh37 (hg19) VCF-style: chr20-60926993-G-A.
Other names: short protein forms A277V.
Identifiers: ClinVar variation 1974598 (VCV001974598.6), dbSNP rs759316733, ClinGen allele CA9944280.